The following is an entry in ClinVar:

NM_024580.6(EFL1):c.1261G>A (p.Asp421Asn)

Gene: EFL1 (elongation factor like GTPase 1; minus strand). Cytogenetic location: 15q25.2.
Variant type: single nucleotide variant.
Coding change: c.1261G>A on transcript NM_024580.6 (MANE Select); coding-DNA position 1261, G replaced by A.
Protein change: p.Asp421Asn; replaces aspartic acid 421 with asparagine.
Molecular consequence: missense variant. On other transcripts: non-coding transcript variant (1).
Genome position (GRCh38, 1-based): chr15:82,225,196, C>T on the plus strand (G>A on the coding strand, the complement: EFL1 is on the minus strand). VCF-style: chr15-82225196-C-T. GRCh37 (hg19) VCF-style: chr15-82517537-C-T.
Other names: c.1108G>A, p.Asp370Asn (NM_001040610.3); c.472G>A, p.Asp158Asn (NM_001322844.2); c.1261G>A, p.Asp421Asn (NM_001322845.2); short protein forms D370N, D158N, D421N.
Identifiers: ClinVar variation 3665043 (VCV003665043.2).

ClinVar aggregate classification (germline): Uncertain significance (1 of 4 stars; one submission).

Submission:

Labcorp Genetics (formerly Invitae), Labcorp
Classification: Uncertain significance. Last evaluated: 2025-07-17. Review status: criteria provided, single submitter. Criteria: Invitae Variant Classification Sherloc (09022015). Collection method: clinical testing. Allele origin: germline.
Comment: This sequence change replaces aspartic acid, which is acidic and polar, with asparagine, which is neutral and polar, at codon 421 of the EFL1 protein (p.Asp421Asn). This variant is not present in population databases (gnomAD no frequency). This variant has not been reported in the literature in individuals affected with EFL1-related conditions. ClinVar contains an entry for this variant (Variation ID: 3665043). Invitae Evidence Modeling of protein sequence and biophysical properties (such as structural, functional, and spatial information, amino acid conservation, physicochemical variation, residue mobility, and thermodynamic stability) indicates that this missense variant is not expected to disrupt EFL1 protein function with a negative predictive value of 80%. In summary, the available evidence is currently insufficient to determine the role of this variant in disease. Therefore, it has been classified as a Variant of Uncertain Significance.